The following is an entry in ClinVar:

NM_000057.4(BLM):c.2299C>G (p.Pro767Ala)

Gene: BLM (BLM RecQ like helicase; plus strand). Cytogenetic location: 15q26.1.
Variant type: single nucleotide variant.
Coding change: c.2299C>G on transcript NM_000057.4 (MANE Select); coding-DNA position 2299, C replaced by G.
Protein change: p.Pro767Ala; replaces proline 767 with alanine.
Molecular consequence: missense variant.
Genome position (GRCh38, 1-based): chr15:90,767,015, C>G. VCF-style: chr15-90767015-C-G. GRCh37 (hg19) VCF-style: chr15-91310245-C-G.
Other names: c.2299C>G, p.Pro767Ala (NM_001287246.2, NM_001287247.2); c.1174C>G, p.Pro392Ala (NM_001287248.2); short protein forms P392A, P767A.
Identifiers: ClinVar variation 4867527 (VCV004867527.1).
Genomic context (GRCh38, chr15:90,767,015, plus strand): 5'-ACAAATATTTACCTCCAGTTATCAAAAAAAGACCCAATCATAAAACTTCTATATGTCACT[C>G]CAGAAAAGGTTTGTATTTATATCATTATTTTAAAATATATTAAAGACCACTAGAATACAT-3'
Protein context (NP_000048.1, residues 757-777): DPIIKLLYVT[Pro767Ala]EKICASNRLI

ClinVar aggregate classification (germline): Uncertain significance (1 of 4 stars; one submission).

Conditions:
Hereditary cancer-predisposing syndrome. Also called: Neoplastic Syndromes, Hereditary; Tumor predisposition; Hereditary Cancer Syndrome; Hereditary neoplastic syndrome. Identifiers: Orphanet 140162, MedGen C0027672, MeSH D009386, MONDO:0015356.

Submission:

Ambry Genetics
Classification: Uncertain significance for Hereditary cancer-predisposing syndrome. Last evaluated: 2026-06-14. Review status: criteria provided, single submitter. Criteria: Ambry Variant Classification Scheme 2023. Collection method: clinical testing. Allele origin: germline.
Comment: The p.P767A variant (also known as c.2299C>G), located in coding exon 9 of the BLM gene, results from a C to G substitution at nucleotide position 2299. The proline at codon 767 is replaced by alanine, an amino acid with highly similar properties. This amino acid position is conserved. In addition, this alteration is predicted to be deleterious by in silico analysis. Based on the available evidence, the clinical significance of this variant remains unclear.